The following is an entry in ClinVar:

ClinVar aggregate classification (germline): Uncertain significance. Review status: criteria provided, multiple submitters, no conflicts (2 of 4 stars). 2 submissions from 2 submitters: Uncertain significance (2). Last evaluated 2025-12-29.

Conditions:
Hemolytic uremic syndrome, atypical, susceptibility to, 1. Also called: AHUS, SUSCEPTIBILITY TO, 1. Identifiers: Orphanet 2134, Orphanet 90038, MedGen C2749604, MONDO:0009335, OMIM 235400. Disease mechanism: Other.
Basal laminar drusen. Also called: DRUSEN OF BRUCH MEMBRANE; DRUSEN, CUTICULAR; DRUSEN, EARLY ADULT-ONSET, GROUPED. Identifiers: Orphanet 75376, MedGen C0730295, MONDO:0007472, OMIM 126700.
Factor H deficiency (CFHD). Also called: COMPLEMENT FACTOR H DEFICIENCY; CFH DEFICIENCY. Identifiers: Orphanet 200421, MedGen C0398777, MONDO:0012350, OMIM 609814.
Age related macular degeneration 4. Identifiers: MedGen C1853147, MONDO:0012540, OMIM 610698.

gnomAD v4.1: 20 of 1,613,798 alleles (0.0012%); highest among the groups gnomAD compares: East Asian, 0.042%; no homozygotes.

Submissions (2):

Labcorp Genetics (formerly Invitae), Labcorp
Classification: Uncertain significance. Last evaluated: 2025-12-29. Review status: criteria provided, single submitter. Criteria: Invitae Variant Classification Sherloc (09022015). Collection method: clinical testing. Allele origin: germline.
Comment: This sequence change replaces serine, which is neutral and polar, with phenylalanine, which is neutral and non-polar, at codon 705 of the CFH protein (p.Ser705Phe). This variant is present in population databases (rs548410144, gnomAD 0.07%). This missense change has been observed in individual(s) with CFH-related conditions (PMID: 37369098). ClinVar contains an entry for this variant (Variation ID: 3575425). An algorithm developed to predict the effect of missense changes on protein structure and function (PolyPhen-2) suggests that this variant is likely to be tolerated. In summary, the available evidence is currently insufficient to determine the role of this variant in disease. Therefore, it has been classified as a Variant of Uncertain Significance.

Fulgent Genetics
Classification: Uncertain significance for Basal laminar drusen; Hemolytic uremic syndrome, atypical, susceptibility to, 1; Factor H deficiency; Age related macular degeneration 4. Last evaluated: 2024-05-30. Review status: criteria provided, single submitter. Criteria: ACMG Guidelines, 2015. Collection method: clinical testing. Allele origin: germline.

Literature cited by the submitters: PubMed 37369098 (cited by Labcorp Genetics (formerly Invitae), Labcorp).

NM_000186.4(CFH):c.2114C>T (p.Ser705Phe)

Gene: CFH (complement factor H; plus strand). Cytogenetic location: 1q31.3.
Variant type: single nucleotide variant.
Coding change: c.2114C>T on transcript NM_000186.4 (MANE Select); coding-DNA position 2114, C replaced by T.
Protein change: p.Ser705Phe; replaces serine 705 with phenylalanine.
Molecular consequence: missense variant.
Genome position (GRCh38, 1-based): chr1:196,726,818, C>T. VCF-style: chr1-196726818-C-T. GRCh37 (hg19) VCF-style: chr1-196695948-C-T.
Other names: short protein forms S705F.
Identifiers: ClinVar variation 3575425 (VCV003575425.3).